The following is an entry in ClinVar:

NM_001282933.2(ZNF341):c.1024C>T (p.Arg342Ter)

Gene: ZNF341 (zinc finger protein 341; plus strand). Cytogenetic location: 20q11.22.
Variant type: single nucleotide variant.
Coding change: c.1024C>T on transcript NM_001282933.2 (MANE Select); coding-DNA position 1024, C replaced by T.
Protein change: p.Arg342Ter; replaces arginine 342 with a stop codon.
Molecular consequence: nonsense. On other transcripts: non-coding transcript variant (1).
Genome position (GRCh38, 1-based): chr20:33,758,802, C>T. VCF-style: chr20-33758802-C-T. GRCh37 (hg19) VCF-style: chr20-32346608-C-T.
Other names: c.754C>T, p.Arg252Ter (NM_001282935.2); c.1003C>T, p.Arg335Ter (NM_032819.5); short protein forms R252*, R335*, R342*.
Identifiers: ClinVar variation 4781151 (VCV004781151.1).

ClinVar aggregate classification (germline): Pathogenic (1 of 4 stars; one submission).

gnomAD v4.1: 4 of 1,613,738 alleles (0.00025%); highest among the groups gnomAD compares: East Asian, 0.0022%; no homozygotes.

Submission:

Labcorp Genetics (formerly Invitae), Labcorp
Classification: Pathogenic. Last evaluated: 2025-09-21. Review status: criteria provided, single submitter. Criteria: Invitae Variant Classification Sherloc (09022015). Collection method: clinical testing. Allele origin: germline.
Comment: This sequence change creates a premature translational stop signal (p.Arg335*) in the ZNF341 gene. It is expected to result in an absent or disrupted protein product. Loss-of-function variants in ZNF341 are known to be pathogenic (PMID: 29907690, 29907691). This variant is present in population databases (rs756537281, gnomAD 0.006%). This variant has not been reported in the literature in individuals affected with ZNF341-related conditions. For these reasons, this variant has been classified as Pathogenic.

Literature cited by the submitters: PubMed 29907690; PubMed 29907691.